The following is an entry in ClinVar:

NM_000152.5(GAA):c.2553G>C (p.Gly851=)

Gene: GAA (alpha glucosidase; plus strand). Cytogenetic location: 17q25.3.
Variant type: single nucleotide variant.
Coding change: c.2553G>C on transcript NM_000152.5 (MANE Select); coding-DNA position 2553, G replaced by C.
Protein change: p.Gly851=; no amino-acid change (glycine 851 retained).
Molecular consequence: synonymous variant.
Genome position (GRCh38, 1-based): chr17:80,118,264, G>C. VCF-style: chr17-80118264-G-C. GRCh37 (hg19) VCF-style: chr17-78092063-G-C.
Other names: c.2553G>C, p.Gly851= (NM_001079803.3, NM_001079804.3); c.2553G>C (NM_000152.4).
Identifiers: ClinVar variation 1157164 (VCV001157164.13), dbSNP rs1042397, ClinGen allele CA8815787.
Genomic context (GRCh38, chr17:80,118,264, plus strand): 5'-CACAACCACAGAGTCCCGCCAGCAGCCCATGGCCCTGGCTGTGGCCCTGACCAAGGGTGG[G>C]GAGGCCCGAGGGGAGCTGTTCTGGGACGATGGAGAGAGCCTGGAAGTGCTGGAGCGAGGG-3'
Protein context (NP_000143.2, residues 841-861): MALAVALTKG[Gly851=]EARGELFWDD

ClinVar aggregate classification (germline): Likely benign. Review status: criteria provided, multiple submitters, no conflicts (2 of 4 stars). 3 submissions from 3 submitters: Likely benign (2). 1 of the submissions does not count toward it. Last evaluated 2026-02-03.

Conditions:
Cardiovascular phenotype. Identifiers: MedGen CN230736.
GAA-related disorder. Also called: GAA-related condition.
Glycogen storage disease, type II (IOPD). Also called: Pompe Disease; Glucosidase acid-1,4-alpha deficiency; CARDIOMEGALIA GLYCOGENICA DIFFUSA; ACID MALTASE DEFICIENCY, INFANTILE-ONSET; POMPE DISEASE, INFANTILE-ONSET; GLYCOGEN STORAGE DISEASE II, INFANTILE-ONSET. Identifiers: Orphanet 365, MedGen C0017921, MONDO:0009290, OMIM 232300.

Submissions (3):

Labcorp Genetics (formerly Invitae), Labcorp
Classification: Likely benign for Glycogen storage disease, type II. Last evaluated: 2026-02-03. Review status: criteria provided, single submitter. Criteria: Invitae Variant Classification Sherloc (09022015). Collection method: clinical testing. Allele origin: germline.

Ambry Genetics
Classification: Likely benign for Cardiovascular phenotype. Last evaluated: 2021-10-21. Review status: criteria provided, single submitter. Criteria: Ambry Variant Classification Scheme 2023. Collection method: clinical testing. Allele origin: germline.

PreventionGenetics, part of Exact Sciences
Classification: Likely benign for GAA-related condition. Last evaluated: 2020-08-17. Review status: no assertion criteria provided. Collection method: clinical testing. Allele origin: germline. Not counted in ClinVar's aggregate classification.
Comment: This variant is classified as likely benign based on ACMG/AMP sequence variant interpretation guidelines (Richards et al. 2015 PMID: 25741868, with internal and published modifications).